The following is an entry in ClinVar:

ClinVar aggregate classification (germline): Uncertain significance (1 of 4 stars; one submission).

Conditions:
Spinocerebellar ataxia type 42. Identifiers: Orphanet 458803, MedGen C4225205, MONDO:0014776, OMIM 616795.

gnomAD v4.1: 9 of 152,268 alleles (0.0059%); highest among the groups gnomAD compares: South Asian, 0.021%; no homozygotes.

Submission:

Department of Paediatrics at Addenbrookes, Cambridge University Hospitals NHS Foundation Trust (UK)
Classification: Uncertain significance for Spinocerebellar ataxia type 42. Last evaluated: 2025-05-27. Review status: criteria provided, single submitter. Criteria: Durkie Uk Practice Guidelines For Variant Classification V12 2024 (1). Collection method: clinical testing. Allele origin: unknown.
Comment: PM2_Moderate; PP3_Supporting

NM_018896.5(CACNA1G):c.4760-1224G>A

Gene: CACNA1G (calcium voltage-gated channel subunit alpha1 G; plus strand). Cytogenetic location: 17q21.33.
Variant type: single nucleotide variant.
Coding change: c.4760-1224G>A on transcript NM_018896.5 (MANE Select); 1224 bases into the intron before coding-DNA position 4760, G replaced by A.
Molecular consequence: intron variant.
Genome position (GRCh38, 1-based): chr17:50,614,137, G>A. VCF-style: chr17-50614137-G-A. GRCh37 (hg19) VCF-style: chr17-48691498-G-A.
Other names: c.4781-1224G>A (NM_001256325.2); c.4727-1224G>A (NM_198377.3, NM_198380.3, NM_198378.3 and 1 more transcripts); c.4760-1224G>A (NM_198385.3, NM_198384.3, NM_001256333.2 and 1 more transcripts); c.4706-1224G>A (NM_001256324.2, NM_198386.3, NM_001256328.2); c.4652-1224G>A (NM_001256360.2); c.4646-1224G>A (NM_001256361.2); c.4679-1224G>A (NM_001256359.2); c.4625-1224G>A (NM_001256326.2, NM_001256330.2); and 5 more.
Identifiers: ClinVar variation 4279545 (VCV004279545.1).